The following is an entry in ClinVar:

ClinVar aggregate classification (germline): Uncertain significance. Review status: criteria provided, multiple submitters, no conflicts (2 of 4 stars). 2 submissions from 2 submitters: Uncertain significance (2). Last evaluated 2025-04-30.

Conditions:
Inborn genetic diseases. Identifiers: MedGen C0950123, MeSH D030342.

gnomAD v4.1: 34 of 1,612,690 alleles (0.0021%); highest among the groups gnomAD compares: Non-Finnish European, 0.0026%; no homozygotes.

Submissions (2):

GeneDx
Classification: Uncertain significance. Last evaluated: 2025-04-30. Review status: criteria provided, single submitter. Criteria: GeneDx Variant Classification Process June 2021. Collection method: clinical testing. Allele origin: germline. Affected: yes.
Comment: Not observed at significant frequency in large population cohorts (gnomAD); In silico analysis supports that this missense variant has a deleterious effect on protein structure/function; Has not been previously published as pathogenic or benign to our knowledge

Ambry Genetics
Classification: Uncertain significance for Inborn genetic diseases. Last evaluated: 2025-04-24. Review status: criteria provided, single submitter. Criteria: Ambry Variant Classification Scheme 2023. Collection method: clinical testing. Allele origin: germline.

NM_005002.5(NDUFA9):c.778G>A (p.Gly260Arg)

Gene: NDUFA9 (NADH:ubiquinone oxidoreductase subunit A9; plus strand). Cytogenetic location: 12p13.32.
Variant type: single nucleotide variant.
Coding change: c.778G>A on transcript NM_005002.5 (MANE Select); coding-DNA position 778, G replaced by A.
Protein change: p.Gly260Arg; replaces glycine 260 with arginine.
Molecular consequence: missense variant.
Genome position (GRCh38, 1-based): chr12:4,669,795, G>A. VCF-style: chr12-4669795-G-A. GRCh37 (hg19) VCF-style: chr12-4778961-G-A.
Other names: short protein forms G260R.
Identifiers: ClinVar variation 3918362 (VCV003918362.2).